The following is an entry in ClinVar:

NM_015466.4(PTPN23):c.3988G>A (p.Val1330Met)

Gene: PTPN23 (protein tyrosine phosphatase non-receptor type 23; plus strand). Cytogenetic location: 3p21.31.
Variant type: single nucleotide variant.
Coding change: c.3988G>A on transcript NM_015466.4 (MANE Select); coding-DNA position 3988, G replaced by A.
Protein change: p.Val1330Met; replaces valine 1330 with methionine.
Molecular consequence: missense variant.
Genome position (GRCh38, 1-based): chr3:47,411,882, G>A. VCF-style: chr3-47411882-G-A. GRCh37 (hg19) VCF-style: chr3-47453372-G-A.
Other names: c.3610G>A, p.Val1204Met (NM_001304482.2); c.3988G>A (NM_015466.3); short protein forms V1204M, V1330M.
Identifiers: ClinVar variation 1634374 (VCV001634374.35), dbSNP rs141816989, ClinGen allele CA2366418.

ClinVar aggregate classification (germline): Conflicting classifications of pathogenicity. Review status: criteria provided, conflicting classifications (1 of 4 stars). 4 submissions from 4 submitters: Uncertain significance (1); Likely benign (2). 1 of the submissions does not count toward it. Last evaluated 2026-08-01.

Conditions:
PTPN23-related disorder. Also called: PTPN23-related condition.

Allele frequency attached by ClinVar (database versions not stated): ExAC 0.00083; ESP Exome Variant Server 0.00085; gnomAD 0.00094 and 0.00101; gnomAD exomes 0.00101 and 0.00123; TOPMed 0.00102; 1000 Genomes Project 0.00120; 1000 Genomes Project 30x 0.00125.
gnomAD v4.1: 1,951 of 1,613,312 alleles (0.12%); highest among the groups gnomAD compares: East Asian, 0.27%; 2 homozygotes.

Submissions (4):

CeGaT Center for Human Genetics Tuebingen
Classification: Likely benign. Last evaluated: 2026-08-01. Review status: criteria provided, single submitter. Criteria: CeGaT Center For Human Genetics Tuebingen Variant Classification Criteria Version 2. Collection method: clinical testing. Allele origin: germline. Affected: yes. Observed: 8 variant alleles.
Comment: PTPN23: BS1

Labcorp Genetics (formerly Invitae), Labcorp
Classification: Likely benign. Last evaluated: 2026-01-31. Review status: criteria provided, single submitter. Criteria: Invitae Variant Classification Sherloc (09022015). Collection method: clinical testing. Allele origin: germline.

Blueprint Genetics
Classification: Uncertain significance. Last evaluated: 2024-11-20. Review status: criteria provided, single submitter. Criteria: ACMG Guidelines, 2015. Collection method: clinical testing. Allele origin: germline.

PreventionGenetics, part of Exact Sciences
Classification: Likely benign for PTPN23-related condition. Last evaluated: 2022-11-21. Review status: no assertion criteria provided. Collection method: clinical testing. Allele origin: germline. Not counted in ClinVar's aggregate classification.
Comment: This variant is classified as likely benign based on ACMG/AMP sequence variant interpretation guidelines (Richards et al. 2015 PMID: 25741868, with internal and published modifications).